The following is an entry in ClinVar:

NM_001288705.3(CSF1R):c.1200C>T (p.Tyr400=)

Gene: CSF1R (colony stimulating factor 1 receptor; minus strand). Cytogenetic location: 5q32.
Variant type: single nucleotide variant.
Coding change: c.1200C>T on transcript NM_001288705.3 (MANE Select); coding-DNA position 1200, C replaced by T.
Protein change: p.Tyr400=; no amino-acid change (tyrosine 400 retained).
Molecular consequence: synonymous variant. On other transcripts: non-coding transcript variant (2).
Genome position (GRCh38, 1-based): chr5:150,070,301, G>A on the plus strand (C>T on the coding strand, the complement: CSF1R is on the minus strand). VCF-style: chr5-150070301-G-A. GRCh37 (hg19) VCF-style: chr5-149449864-G-A.
Other names: c.1200C>T, p.Tyr400= (NM_001349736.2, NM_001375320.1, NM_005211.4); c.756C>T, p.Tyr252= (NM_001375321.1).
Identifiers: ClinVar variation 5041245 (VCV005041245.1).

ClinVar aggregate classification (germline): Likely benign (1 of 4 stars; one submission).

gnomAD v4.1: 3 of 1,613,574 alleles (0.00019%); highest among the groups gnomAD compares: Non-Finnish European, 0.00025%; no homozygotes.

Submission:

CeGaT Center for Human Genetics Tuebingen
Classification: Likely benign. Last evaluated: 2026-09-01. Review status: criteria provided, single submitter. Criteria: CeGaT Center For Human Genetics Tuebingen Variant Classification Criteria Version 2. Collection method: clinical testing. Allele origin: germline. Affected: yes. Observed: 1 variant allele.
Comment: CSF1R: BP4, BP7